The following is an entry in ClinVar:

NM_016341.4(PLCE1):c.2214+7C>T

Gene: PLCE1 (phospholipase C epsilon 1; plus strand). Cytogenetic location: 10q23.33.
Variant type: single nucleotide variant.
Coding change: c.2214+7C>T on transcript NM_016341.4 (MANE Select); 7 bases into the intron after coding-DNA position 2214, C replaced by T.
Molecular consequence: intron variant.
Genome position (GRCh38, 1-based): chr10:94,234,319, C>T. VCF-style: chr10-94234319-C-T. GRCh37 (hg19) VCF-style: chr10-95994076-C-T.
Other names: c.2214+7C>T (NM_001288989.2); c.1290+7C>T (NM_001165979.2).
Identifiers: ClinVar variation 301702 (VCV000301702.38), dbSNP rs201418194, ClinGen allele CA5612577.

ClinVar aggregate classification (germline): Conflicting classifications of pathogenicity. Review status: criteria provided, conflicting classifications (1 of 4 stars). 6 submissions from 6 submitters: Uncertain significance (2); Benign (1); Likely benign (3). Last evaluated 2025-12-25.

Conditions:
Kidney disorder. Also called: Kidney disease; Kidney Diseases; renal disorder; Nephropathy; renal disease. Identifiers: MedGen C0022658, MONDO:0005240, HP:0000112.
Nephrotic syndrome, type 3 (NPHS3). Also called: NEPHROTIC SYNDROME, EARLY-ONSET, TYPE 3. Identifiers: Orphanet 656, MedGen C1853124, MONDO:0012546, OMIM 610725.

Allele frequency attached by ClinVar (database versions not stated): ESP Exome Variant Server 0.00041; gnomAD 0.00042; ExAC 0.00046; TOPMed 0.00051; gnomAD exomes 0.00055.
gnomAD v4.1: 582 of 1,613,548 alleles (0.036%); highest among the groups gnomAD compares: Middle Eastern, 0.36%; 4 homozygotes.

Submissions (6):

Labcorp Genetics (formerly Invitae), Labcorp
Classification: Benign. Last evaluated: 2025-12-25. Review status: criteria provided, single submitter. Criteria: Invitae Variant Classification Sherloc (09022015). Collection method: clinical testing. Allele origin: germline.

Blueprint Genetics
Classification: Likely benign. Last evaluated: 2024-11-27. Review status: criteria provided, single submitter. Criteria: ACMG Guidelines, 2015. Collection method: clinical testing. Allele origin: germline.

CeGaT Center for Human Genetics Tuebingen
Classification: Likely benign. Last evaluated: 2023-08-01. Review status: criteria provided, single submitter. Criteria: CeGaT Center For Human Genetics Tuebingen Variant Classification Criteria Version 2. Collection method: clinical testing. Allele origin: germline. Affected: yes. Observed: 1 variant allele.
Comment: PLCE1: BP4, BS2

Genome Diagnostics Laboratory, The Hospital for Sick Children
Classification: Likely benign for Kidney disorder. Last evaluated: 2021-12-08. Review status: criteria provided, single submitter. Criteria: ACMG Guidelines, 2015. Collection method: clinical testing. Allele origin: germline.

Illumina Laboratory Services, Illumina
Classification: Uncertain significance for Nephrotic syndrome, type 3. Last evaluated: 2018-01-13. Review status: criteria provided, single submitter. Criteria: ICSL Variant Classification Criteria 13 December 2019. Collection method: clinical testing. Allele origin: germline.

Breakthrough Genomics
Classification: Uncertain significance. Review status: criteria provided, single submitter. Criteria: ACMG Guidelines, 2015. Collection method: not provided. Allele origin: germline. Inheritance: Autosomal recessive inheritance. Affected: yes.